The following is an entry in ClinVar:

NM_000077.5(CDKN2A):c.143C>A (p.Pro48Gln)

Gene: CDKN2A (cyclin dependent kinase inhibitor 2A; minus strand). Cytogenetic location: 9p21.3.
Variant type: single nucleotide variant.
Coding change: c.143C>A on transcript NM_000077.5; coding-DNA position 143, C replaced by A.
Protein change: p.Pro48Gln; replaces proline 48 with glutamine.
Molecular consequence: missense variant (on NM_000077.6). On other transcripts: intron variant (2).
Genome position (GRCh38, 1-based): chr9:21,974,685, G>T on the plus strand (C>A on the coding strand, the complement: CDKN2A is on the minus strand). VCF-style: chr9-21974685-G-T. GRCh37 (hg19) VCF-style: chr9-21974684-G-T.
Other names: c.143C>A, p.Pro48Gln (NM_000077.6, NM_001195132.2, NM_058197.5); c.-3-3477C>A (NM_001363763.2); c.194-3477C>A (NM_058195.4); short protein forms P48Q.
Identifiers: ClinVar variation 1042953 (VCV001042953.10), dbSNP rs763804037, ClinGen allele CA373086486.

ClinVar aggregate classification (germline): Uncertain significance. Review status: criteria provided, multiple submitters, no conflicts (2 of 4 stars). 3 submissions from 3 submitters: Uncertain significance (3). Last evaluated 2026-02-11.

Conditions:
Hereditary cancer-predisposing syndrome. Also called: Hereditary neoplastic syndrome; Neoplastic Syndromes, Hereditary; Tumor predisposition; Hereditary Cancer Syndrome. Identifiers: Orphanet 140162, MedGen C0027672, MeSH D009386, MONDO:0015356.
Melanoma-pancreatic cancer syndrome. Identifiers: Orphanet 404560, MedGen C1838547, MONDO:0011713, OMIM 606719. Disease mechanism: loss of function.
Familial melanoma. Also called: Hereditary melanoma; Hereditary cutaneous melanoma. Identifiers: Orphanet 618, MedGen C1512419, MONDO:0018961.

Submissions (3):

Ambry Genetics
Classification: Uncertain significance for Hereditary cancer-predisposing syndrome. Last evaluated: 2026-02-11. Review status: criteria provided, single submitter. Criteria: Ambry Variant Classification Scheme 2023. Collection method: clinical testing. Allele origin: germline.
Comment: The p.P48Q variant (also known as c.143C>A), located in coding exon 1 of the CDKN2A gene, results from a C to A substitution at nucleotide position 143. The proline at codon 48 is replaced by glutamine, an amino acid with similar properties. Other variant(s) at the same codon, p.P48T (c.142C>A), have been identified in individual(s) with features consistent with melanoma-pancreatic cancer syndro me (Moore PS et al. Hum Mutat, 2000 Nov;16:447-8; Della Torre G et al. Br J Cancer, 2001 Sep;85:836-44; Sz&eacute;ll M et al. Melanoma Res, 2007 Aug;17:251-4; Foppiani L et al. Eur J Endocrinol, 2008 Mar;158:417-22; Menin C et al. Pigment Cell Melanoma Res, 2011 Aug;24:728-30; Bruno W et al. J Am Acad Dermatol, 2016 Feb;74:325-32; de &Aacute;vila AL et al. Fam Cancer, 2014 Dec;13:645-9; Puig S et al. Genet Med, 2016 07;18:727-36; Ambry internal data).Th is amino acid position is not well conserved in available vertebrate species. In addition, this alteration is predicted to be deleterious by in silico analysis. Based on the available evidence, the clinical significance of this variant remains unclear.

Department of Pathology and Laboratory Medicine, Sinai Health System
Classification: Uncertain significance for melanoma-pancreatic cancer syndrome. Last evaluated: 2025-01-27. Review status: criteria provided, single submitter. Criteria: ACMG Guidelines, 2015. Collection method: clinical testing. Allele origin: germline.

Labcorp Genetics (formerly Invitae), Labcorp
Classification: Uncertain significance for Familial melanoma. Last evaluated: 2022-07-05. Review status: criteria provided, single submitter. Criteria: Invitae Variant Classification Sherloc (09022015). Collection method: clinical testing. Allele origin: germline.
Comment: In summary, the available evidence is currently insufficient to determine the role of this variant in disease. Therefore, it has been classified as a Variant of Uncertain Significance. This variant disrupts the p.Pro48 amino acid residue in CDKN2A (p16INK4a). Other variant(s) that disrupt this residue have been determined to be pathogenic (PMID: 9168184, 10338331, 10491434, 11556834, 21462282). This suggests that this residue is clinically significant, and that variants that disrupt this residue are likely to be disease-causing. Algorithms developed to predict the effect of missense changes on protein structure and function are either unavailable or do not agree on the potential impact of this missense change (SIFT: "Deleterious"; PolyPhen-2: "Probably Damaging"; Align-GVGD: "Class C0"). ClinVar contains an entry for this variant (Variation ID: 1042953). This missense change has been observed in individual(s) with melanoma and/or pancreatic ductal adenocarcinoma (PMID: 28830827, 32482799). This variant is not present in population databases (gnomAD no frequency). This sequence change replaces proline, which is neutral and non-polar, with glutamine, which is neutral and polar, at codon 48 of the CDKN2A (p16INK4a) protein (p.Pro48Gln).

Literature cited by the submitters: PubMed 28830827 (cited by Department of Pathology and Laboratory Medicine, Sinai Health System and Labcorp Genetics (formerly Invitae), Labcorp); PubMed 32482799 (cited by Department of Pathology and Laboratory Medicine, Sinai Health System and Labcorp Genetics (formerly Invitae), Labcorp); PubMed 9168184 (cited by Labcorp Genetics (formerly Invitae), Labcorp); PubMed 10338331 (cited by Labcorp Genetics (formerly Invitae), Labcorp); PubMed 10491434 (cited by Labcorp Genetics (formerly Invitae), Labcorp); PubMed 11556834 (cited by Labcorp Genetics (formerly Invitae), Labcorp); PubMed 21462282 (cited by Labcorp Genetics (formerly Invitae), Labcorp).